The following is an entry in ClinVar:

NM_000256.3(MYBPC3):c.3196_3200del (p.Pro1066fs)

Gene: MYBPC3 (myosin binding protein C3; minus strand). Cytogenetic location: 11p11.2.
Variant type: Deletion.
Coding change: c.3196_3200del on transcript NM_000256.3 (MANE Select); coding-DNA positions 3196 to 3200, 5 bases deleted (CCAAG; older notation c.3196_3200delCCAAG).
Protein change: p.Pro1066fs; shifts the reading frame from proline 1066.
Molecular consequence: frameshift variant.
Genome position (GRCh38, 1-based): chr11:47,333,324-47,333,328, CTTGG deleted on the plus strand (CCAAG on the coding strand, the reverse complement: MYBPC3 is on the minus strand); deleting any 5 consecutive bases within chr11:47,333,324-47,333,332 gives the same sequence; the c. name uses the placement nearest the transcript's 3' end. VCF-style (leftmost placement, unchanged base first): chr11-47333323-ACTTGG-A. GRCh37 (hg19) VCF-style: chr11-47354874-ACTTGG-A.
Other names: short protein forms P1066fs.
Identifiers: ClinVar variation 4723196 (VCV004723196.1).

ClinVar aggregate classification (germline): Pathogenic (1 of 4 stars; one submission).

Conditions:
Hypertrophic cardiomyopathy. Also called: HYPERTROPHIC MYOCARDIOPATHY. Identifiers: Orphanet 217569, MedGen C0007194, MeSH D002312, MONDO:0005045, HP:0001639.

Submission:

Labcorp Genetics (formerly Invitae), Labcorp
Classification: Pathogenic for Hypertrophic cardiomyopathy. Last evaluated: 2025-07-14. Review status: criteria provided, single submitter. Criteria: Invitae Variant Classification Sherloc (09022015). Collection method: clinical testing. Allele origin: germline.
Comment: This sequence change creates a premature translational stop signal (p.Pro1066Serfs*9) in the MYBPC3 gene. It is expected to result in an absent or disrupted protein product. Loss-of-function variants in MYBPC3 are known to be pathogenic (PMID: 19574547). This variant is not present in population databases (gnomAD no frequency). This variant has not been reported in the literature in individuals affected with MYBPC3-related conditions. For these reasons, this variant has been classified as Pathogenic.

Literature cited by the submitters: PubMed 19574547.